The following continues an entry in ClinVar:

NM_007194.4(CHEK2):c.1582G>A (p.Glu528Lys)

Gene: CHEK2. ClinVar aggregate classification (germline): Uncertain significance. Uncertain significance (14).

Submissions 12 to 15 of 15:

Sema4
Classification: Uncertain significance for Hereditary cancer-predisposing syndrome. Last evaluated: 2021-12-17. Review status: criteria provided, single submitter. Criteria: Sema4 Curation Guidelines. Collection method: curation. Allele origin: germline.
Comment: The CHEK2 c.1582G>A (p.E528K) variant has been reported in heterozygosity in at least 2 individuals with colorectal cancer and diffuse large B cell lymphoma (PMID: 28135145, 23960188). This variant has also been reported in at least three individuals with breast cancer and two unaffected controls in a large case-control study (PMID:33471991). A research study demonstrated the variant does not affect the growth of yeast cells (PMID: 30851065). This variant was observed in 2/19558 chromosomes in the East Asian subpopulation in the large and broad cohorts of the Genome Aggregation Database (PMID: 32461654). The variant has been reported in ClinVar (Variation ID: 142361). Functional studies have not been performed, and in silico predictions of the variant's effect on protein function are inconclusive. The evidence is insufficient to meet ACMG/AMP criteria for classifying the variant as benign or pathogenic. Thus, the clinical significance of this variant is currently uncertain.

Women's Health and Genetics/Laboratory Corporation of America, LabCorp
Classification: Uncertain significance. Last evaluated: 2021-01-05. Review status: criteria provided, single submitter. Criteria: LabCorp Variant Classification Summary - May 2015. Collection method: clinical testing. Allele origin: germline.
Comment: Variant summary: CHEK2 c.1582G>A (p.Glu528Lys) results in a conservative amino acid change in the encoded protein sequence. Three of five in-silico tools predict a damaging effect of the variant on protein function. The variant allele was found at a frequency of 2.1e-05 in 233632 control chromosomes (gnomAD). The available data on variant occurrences in the general population are insufficient to allow any conclusion about variant significance. c.1582G>A has been reported in the literature as a germline variant in individuals with diffuse large B-cell lymphoma (DLBCL) and colorectal cancer (e.g. deMiranda_2013, Yurgelun_2017). These reports do not provide unequivocal conclusions about association of the variant with disease. At least one publication reports experimental evidence evaluating an impact on protein function, indicating that the variant showed no damaging effects in a yeast-based assay (e.g. Delimitsou_2019). Six other clinical diagnostic laboratories have submitted clinical-significance assessments for this variant to ClinVar after 2014 without evidence for independent evaluation. All laboratories cited the variant as uncertain significance. Based on the evidence outlined above, the variant was classified as uncertain significance.

Illumina Laboratory Services, Illumina
Classification: Uncertain significance for CHEK2-Related Cancer Susceptibility. Last evaluated: 2017-04-27. Review status: criteria provided, single submitter. Criteria: ICSL Variant Classification Criteria 13 December 2019. Collection method: clinical testing. Allele origin: germline.
Comment: This variant was observed as part of a predisposition screen in an ostensibly healthy population. A literature search was performed for the gene, cDNA change, and amino acid change (where applicable). Publications were found based on this search. However, the evidence from the literature, in combination with allele frequency data from public databases where available, was not sufficient to rule this variant in or out of causing disease. Therefore, this variant is classified as a variant of unknown significance.

Counsyl
Classification: Uncertain significance for Familial cancer of breast. Last evaluated: 2016-09-29. Review status: no assertion criteria provided. Collection method: clinical testing. Allele origin: unknown. Not counted in ClinVar's aggregate classification.

Literature cited by the submitters: PubMed 23960188 (cited by 8 submitters); PubMed 28135145 (cited by 7 submitters); PubMed 34326862 (cited by Labcorp Genetics (formerly Invitae), Labcorp and Quest Diagnostics Nichols Institute San Juan Capistrano); PubMed 30851065 (cited by 7 submitters); PubMed 37449874 (cited by Labcorp Genetics (formerly Invitae), Labcorp and Color Diagnostics, LLC DBA Color Health); PubMed 32906215 (cited by Quest Diagnostics Nichols Institute San Juan Capistrano); PubMed 35643632 (cited by Quest Diagnostics Nichols Institute San Juan Capistrano); PubMed 33471991 (cited by 3 submitters); PubMed 28211887 (cited by Quest Diagnostics Nichols Institute San Juan Capistrano and Women's Health and Genetics/Laboratory Corporation of America, LabCorp); PubMed 31398194 (cited by Women's Health and Genetics/Laboratory Corporation of America, LabCorp).